The following is an entry in ClinVar:

NM_181523.3(PIK3R1):c.183A>T (p.Glu61Asp)

Gene: PIK3R1 (phosphoinositide-3-kinase regulatory subunit 1; plus strand). Cytogenetic location: 5q13.1.
Variant type: single nucleotide variant.
Coding change: c.183A>T on transcript NM_181523.3 (MANE Select); coding-DNA position 183, A replaced by T.
Protein change: p.Glu61Asp; replaces glutamic acid 61 with aspartic acid.
Molecular consequence: missense variant.
Genome position (GRCh38, 1-based): chr5:68,226,858, A>T. VCF-style: chr5-68226858-A-T. GRCh37 (hg19) VCF-style: chr5-67522686-A-T.
Other names: short protein forms E61D.
Identifiers: ClinVar variation 2939897 (VCV002939897.3), dbSNP rs2530797021, ClinGen allele CA359979761.

ClinVar aggregate classification (germline): Uncertain significance (1 of 4 stars; one submission).

Conditions:
SHORT syndrome. Also called: LIPODYSTROPHY, PARTIAL, WITH RIEGER ANOMALY AND SHORT STATURE; PIK3R1-Related SHORT Syndrome; SHORT STATURE, HYPEREXTENSIBILITY, HERNIA, OCULAR DEPRESSION, RIEGER ANOMALY, AND TEETHING DELAY. Identifiers: Orphanet 3163, MedGen C0878684, MONDO:0010026, OMIM 269880.
Agammaglobulinemia 7, autosomal recessive (AGM7). Also called: AGAMMAGLOBULINEMIA, AUTOSOMAL RECESSIVE, DUE TO PIK3R1 DEFECT. Identifiers: MedGen C3554689, MONDO:0014083, OMIM 615214.
Immunodeficiency 36 with lymphoproliferation. Also called: Immunodeficiency 36; ACTIVATED PI3K-DELTA SYNDROME 2; Activated PI3K Delta Syndrome Type 2 (APDS2). Identifiers: Orphanet 397596, Orphanet 693681, MedGen C4014934, MONDO:0014453, OMIM 616005.

Submission:

Labcorp Genetics (formerly Invitae), Labcorp
Classification: Uncertain significance for SHORT syndrome; Immunodeficiency 36 with lymphoproliferation; Agammaglobulinemia 7, autosomal recessive. Last evaluated: 2023-03-17. Review status: criteria provided, single submitter. Criteria: Invitae Variant Classification Sherloc (09022015). Collection method: clinical testing. Allele origin: germline.
Comment: This variant is not present in population databases (gnomAD no frequency). This sequence change replaces glutamic acid, which is acidic and polar, with aspartic acid, which is acidic and polar, at codon 61 of the PIK3R1 protein (p.Glu61Asp). In summary, the available evidence is currently insufficient to determine the role of this variant in disease. Therefore, it has been classified as a Variant of Uncertain Significance. An algorithm developed to predict the effect of missense changes on protein structure and function (PolyPhen-2) suggests that this variant is likely to be disruptive. This variant has not been reported in the literature in individuals affected with PIK3R1-related conditions.